The following is an entry in ClinVar:

NM_001367624.2(ZNF469):c.1627G>A (p.Gly543Ser)

Gene: ZNF469 (zinc finger protein 469; plus strand). Cytogenetic location: 16q24.2.
Variant type: single nucleotide variant.
Coding change: c.1627G>A on transcript NM_001367624.2 (MANE Select); coding-DNA position 1627, G replaced by A.
Protein change: p.Gly543Ser; replaces glycine 543 with serine.
Molecular consequence: missense variant.
Genome position (GRCh38, 1-based): chr16:88,429,097, G>A. VCF-style: chr16-88429097-G-A. GRCh37 (hg19) VCF-style: chr16-88495505-G-A.
Other names: NM_001127464.1:c.1627G>A; p.Gly543Ser; short protein forms G543S.
Identifiers: ClinVar variation 126937 (VCV000126937.14), dbSNP rs281865145, ClinGen allele CA151313.

ClinVar aggregate classification (germline): Conflicting classifications of pathogenicity. Review status: criteria provided, conflicting classifications (1 of 4 stars). 7 submissions from 7 submitters: Uncertain significance (4); Likely benign (2). 1 of the submissions does not count toward it. Last evaluated 2026-10-08.

Conditions:
Cardiovascular phenotype. Identifiers: MedGen CN230736.
Keratoconus 1 (KTCN1). Identifiers: MedGen C1835677, MONDO:0007851, OMIM 148300.

Allele frequency attached by ClinVar (database versions not stated): gnomAD 0.00008 and 0.00009; TOPMed 0.00013; gnomAD exomes 0.00010; ExAC 0.00008.
gnomAD v4.1: 259 of 1,549,862 alleles (0.017%); highest among the groups gnomAD compares: Non-Finnish European, 0.02%; no homozygotes.

Submissions (7):

GeneDx
Classification: Uncertain significance. Last evaluated: 2026-10-08. Review status: criteria provided, single submitter. Criteria: GeneDx Variant Classification Process June 2021. Collection method: clinical testing. Allele origin: germline.
Comment: Reported in an individual with isolated keratoconus (PMID: 24895405); In silico analysis suggests that this missense variant does not alter protein structure/function; This variant is associated with the following publications: (PMID: 24895405)

Women's Health and Genetics/Laboratory Corporation of America, LabCorp
Classification: Uncertain significance. Last evaluated: 2026-03-05. Review status: criteria provided, single submitter. Criteria: LabCorp Variant Classification Summary - May 2015. Collection method: clinical testing. Allele origin: germline.
Comment: Variant summary: ZNF469 c.1627G>A (p.Gly543Ser) results in a non-conservative amino acid change in the encoded protein sequence. Algorithms developed to predict the effect of missense changes on protein structure and function are either unavailable or do not agree on the potential impact of this missense change. The variant allele was found at a frequency of 9.7e-05 in 143902 control chromosomes, predominantly at a frequency of 0.00023 within the Non-Finnish European subpopulation in the gnomAD database. This frequency is not significantly higher than estimated for disease-causing variants in ZNF469, allowing no conclusion about variant significance. c.1627G>A has been observed in individuals) affected with Keratoconus as a benign change (Lechner_2014). The report does not provide unequivocal conclusions about association of the variant with Brittle cornea syndrome 1. To our knowledge, no experimental evidence demonstrating an impact on protein function has been reported. The following publication have been ascertained in the context of this evaluation (PMID: 29535388). ClinVar contains an entry for this variant (Variation ID: 126937). Based on the evidence outlined above, the variant was classified as uncertain significance.

Mayo Clinic Laboratories, Mayo Clinic
Classification: Likely benign. Last evaluated: 2025-03-26. Review status: criteria provided, single submitter. Criteria: ACMG Guidelines, 2015. Collection method: clinical testing. Allele origin: germline. Observed: 2 variant alleles.
Comment: BS1, BP4_moderate

Blueprint Genetics
Classification: Uncertain significance. Last evaluated: 2024-05-03. Review status: criteria provided, single submitter. Criteria: ACMG Guidelines, 2015. Collection method: clinical testing. Allele origin: germline.

Labcorp Genetics (formerly Invitae), Labcorp
Classification: Uncertain significance. Last evaluated: 2022-03-13. Review status: criteria provided, single submitter. Criteria: Invitae Variant Classification Sherloc (09022015). Collection method: clinical testing. Allele origin: germline.
Comment: This sequence change replaces glycine, which is neutral and non-polar, with serine, which is neutral and polar, at codon 543 of the ZNF469 protein (p.Gly543Ser). This variant is present in population databases (rs281865145, gnomAD 0.02%). This missense change has been observed in individual(s) with clinical features of ZNF469-related conditions (PMID: 24895405). ClinVar contains an entry for this variant (Variation ID: 126937). Algorithms developed to predict the effect of missense changes on protein structure and function output the following: SIFT: "Tolerated"; PolyPhen-2: "Benign"; Align-GVGD: "Class C0". The serine amino acid residue is found in multiple mammalian species, which suggests that this missense change does not adversely affect protein function. In summary, the available evidence is currently insufficient to determine the role of this variant in disease. Therefore, it has been classified as a Variant of Uncertain Significance.

Ambry Genetics
Classification: Likely benign for Cardiovascular phenotype. Last evaluated: 2019-10-23. Review status: criteria provided, single submitter. Criteria: Ambry Variant Classification Scheme 2023. Collection method: clinical testing. Allele origin: germline.

Willoughby Group, Queen's University Belfast
Classification: Benign for Keratoconus 1. Review status: no assertion criteria provided. Collection method: not provided. Allele origin: germline. Not counted in ClinVar's aggregate classification.
ClinVar note: Converted during submission from non-pathogenic to Benign.

Literature cited by the submitters: PubMed 29535388 (cited by Women's Health and Genetics/Laboratory Corporation of America, LabCorp); PubMed 24895405 (cited by 3 submitters).